The following is an entry in ClinVar:

ClinVar aggregate classification (germline): Uncertain significance (1 of 4 stars; one submission).

Conditions:
X-linked immunodeficiency with magnesium defect, Epstein-Barr virus infection and neoplasia. Identifiers: Orphanet 317476, MedGen C3275445, MONDO:0010455, OMIM 300853.

Submission:

Labcorp Genetics (formerly Invitae), Labcorp
Classification: Uncertain significance for X-linked immunodeficiency with magnesium defect, Epstein-Barr virus infection and neoplasia. Last evaluated: 2025-06-23. Review status: criteria provided, single submitter. Criteria: Invitae Variant Classification Sherloc (09022015). Collection method: clinical testing. Allele origin: germline.
Comment: This sequence change affects codon 292 of the MAGT1 mRNA. It is a 'silent' change, meaning that it does not change the encoded amino acid sequence of the MAGT1 protein. This variant is not present in population databases (gnomAD no frequency). This variant has not been reported in the literature in individuals affected with MAGT1-related conditions. Algorithms developed to predict the effect of sequence changes on RNA splicing suggest that this variant may disrupt the consensus splice site. In summary, the available evidence is currently insufficient to determine the role of this variant in disease. Therefore, it has been classified as a Variant of Uncertain Significance.

NM_001367916.1(MAGT1):c.780C>T (p.Ser260=)

Gene: MAGT1 (magnesium transporter 1; minus strand). Cytogenetic location: Xq21.1.
Variant type: single nucleotide variant.
Coding change: c.780C>T on transcript NM_001367916.1 (MANE Select); coding-DNA position 780, C replaced by T.
Protein change: p.Ser260=; no amino-acid change (serine 260 retained).
Molecular consequence: synonymous variant.
Genome position (GRCh38, 1-based): chrX:77,853,947, G>A on the plus strand (C>T on the coding strand, the complement: MAGT1 is on the minus strand). VCF-style: chrX-77853947-G-A. GRCh37 (hg19) VCF-style: chrX-77109444-G-A.
Other names: c.876C>T, p.Ser292= (NM_032121.5).
Identifiers: ClinVar variation 4771365 (VCV004771365.1).